The following is an entry in ClinVar:

NM_001430.5(EPAS1):c.473A>G (p.Lys158Arg)

Genes: EPAS1 (endothelial PAS domain protein 1; plus strand), LOC126806210 (BRD4-independent group 4 enhancer GRCh37_chr2:46587586-46588785; plus strand). Cytogenetic location: 2p21.
Variant type: single nucleotide variant.
Coding change: c.473A>G on transcript NM_001430.5 (MANE Select); coding-DNA position 473, A replaced by G.
Protein change: p.Lys158Arg; replaces lysine 158 with arginine.
Molecular consequence: missense variant.
Genome position (GRCh38, 1-based): chr2:46,360,656, A>G. VCF-style: chr2-46360656-A-G. GRCh37 (hg19) VCF-style: chr2-46587795-A-G.
Other names: short protein forms K158R.
Identifiers: ClinVar variation 1742758 (VCV001742758.2), dbSNP rs2546454873, ClinGen allele CA346698971.

ClinVar aggregate classification (germline): Uncertain significance (1 of 4 stars; one submission).

Conditions:
Inborn genetic diseases. Identifiers: MedGen C0950123, MeSH D030342.

Allele frequency attached by ClinVar (database versions not stated): gnomAD exomes below 0.00001.
gnomAD v4.1: 1 of 1,613,858 alleles (0.000062%); highest among the groups gnomAD compares: African/African-American, 0.0013%; no homozygotes.

Submission:

Ambry Genetics
Classification: Uncertain significance for Inborn genetic diseases. Last evaluated: 2021-08-22. Review status: criteria provided, single submitter. Criteria: Ambry Variant Classification Scheme 2023. Collection method: clinical testing. Allele origin: germline.
Comment: The p.K158R variant (also known as c.473A>G), located in coding exon 5 of the EPAS1 gene, results from an A to G substitution at nucleotide position 473. The lysine at codon 158 is replaced by arginine, an amino acid with highly similar properties. This amino acid position is conserved. In addition, this alteration is predicted to be tolerated by in silico analysis. Since supporting evidence is limited at this time, the clinical significance of this alteration remains unclear.